The following is an entry in ClinVar:

ClinVar aggregate classification (germline): Uncertain significance. Review status: criteria provided, multiple submitters, no conflicts (2 of 4 stars). 2 submissions from 2 submitters: Uncertain significance (2). Last evaluated 2025-05-12.

Allele frequency attached by ClinVar (database versions not stated): TOPMed 0.00002.
gnomAD v4.1: 2 of 1,603,836 alleles (0.00012%); no homozygotes.

Submissions (2):

Labcorp Genetics (formerly Invitae), Labcorp
Classification: Uncertain significance. Last evaluated: 2025-05-12. Review status: criteria provided, single submitter. Criteria: Invitae Variant Classification Sherloc (09022015). Collection method: clinical testing. Allele origin: germline.
Comment: This sequence change replaces proline, which is neutral and non-polar, with arginine, which is basic and polar, at codon 380 of the PITPNM3 protein (p.Pro380Arg). This variant is not present in population databases (gnomAD no frequency). This variant has not been reported in the literature in individuals affected with PITPNM3-related conditions. ClinVar contains an entry for this variant (Variation ID: 852165). An algorithm developed to predict the effect of missense changes on protein structure and function (PolyPhen-2) suggests that this variant is likely to be tolerated. In summary, the available evidence is currently insufficient to determine the role of this variant in disease. Therefore, it has been classified as a Variant of Uncertain Significance.

Ambry Genetics
Classification: Uncertain significance. Last evaluated: 2023-12-01. Review status: criteria provided, single submitter. Criteria: Ambry Variant Classification Scheme 2023. Collection method: clinical testing. Allele origin: germline.

NM_031220.4(PITPNM3):c.1139C>G (p.Pro380Arg)

Gene: PITPNM3 (PITPNM family member 3; minus strand). Cytogenetic location: 17p13.2.
Variant type: single nucleotide variant.
Coding change: c.1139C>G on transcript NM_031220.4 (MANE Select); coding-DNA position 1139, C replaced by G.
Protein change: p.Pro380Arg; replaces proline 380 with arginine.
Molecular consequence: missense variant.
Genome position (GRCh38, 1-based): chr17:6,474,551, G>C on the plus strand (C>G on the coding strand, the complement: PITPNM3 is on the minus strand). VCF-style: chr17-6474551-G-C. GRCh37 (hg19) VCF-style: chr17-6377871-G-C.
Other names: c.1031C>G, p.Pro344Arg (NM_001165966.2); short protein forms P380R, P344R.
Identifiers: ClinVar variation 852165 (VCV000852165.10), dbSNP rs536434931, ClinGen allele CA287318151.